The following is an entry in ClinVar:

ClinVar aggregate classification (germline): Pathogenic. Review status: criteria provided, multiple submitters, no conflicts (2 of 4 stars). 2 submissions from 2 submitters: Pathogenic (2). Last evaluated 2024-07-15.

Conditions:
Fraser syndrome 3. Identifiers: MedGen C4540040, MONDO:0054739, OMIM 617667.

Allele frequency attached by ClinVar (database versions not stated): gnomAD 0.00001.
gnomAD v4.1: 3 of 1,613,880 alleles (0.00019%); highest among the groups gnomAD compares: East Asian, 0.0022%; no homozygotes.

Submissions (2):

Myriad Genetics, Inc.
Classification: Pathogenic for Fraser syndrome 3. Last evaluated: 2024-07-15. Review status: criteria provided, single submitter. Criteria: Myriad Autosomal Dominant, Autosomal Recessive and X-Linked Classification Criteria (2023). Collection method: clinical testing. Allele origin: unknown.
Comment: NM_021150.3(GRIP1):c.1477C>T(R493*) is expected to be pathogenic in the context of Fraser syndrome, GRIP1-related. This variant is predicted to lead to an abnormal or absent protein product due to the creation of a premature termination codon in GRIP1, a gene where loss-of-function variants are known to be pathogenic. Please note: this variant was assessed in the context of healthy population screening.

Labcorp Genetics (formerly Invitae), Labcorp
Classification: Pathogenic. Last evaluated: 2023-02-06. Review status: criteria provided, single submitter. Criteria: Invitae Variant Classification Sherloc (09022015). Collection method: clinical testing. Allele origin: germline.
Comment: This sequence change creates a premature translational stop signal (p.Arg493*) in the GRIP1 gene. It is expected to result in an absent or disrupted protein product. Loss-of-function variants in GRIP1 are known to be pathogenic (PMID: 22510445, 24357607). This variant is present in population databases (no rsID available, gnomAD 0.006%). This variant has not been reported in the literature in individuals affected with GRIP1-related conditions. Algorithms developed to predict the effect of sequence changes on RNA splicing suggest that this variant may disrupt the consensus splice site. For these reasons, this variant has been classified as Pathogenic.

Literature cited by the submitters: PubMed 22510445 (cited by Labcorp Genetics (formerly Invitae), Labcorp); PubMed 24357607 (cited by Labcorp Genetics (formerly Invitae), Labcorp).

NM_001366722.1(GRIP1):c.1633C>T (p.Arg545Ter)

Gene: GRIP1 (glutamate receptor interacting protein 1; minus strand). Cytogenetic location: 12q14.3.
Variant type: single nucleotide variant.
Coding change: c.1633C>T on transcript NM_001366722.1 (MANE Select); coding-DNA position 1633, C replaced by T.
Protein change: p.Arg545Ter; replaces arginine 545 with a stop codon.
Molecular consequence: nonsense.
Genome position (GRCh38, 1-based): chr12:66,444,638, G>A on the plus strand (C>T on the coding strand, the complement: GRIP1 is on the minus strand). VCF-style: chr12-66444638-G-A. GRCh37 (hg19) VCF-style: chr12-66838418-G-A.
Other names: c.1477C>T, p.Arg493Ter (NM_001178074.2, NM_001379351.1, NM_021150.4); c.1552C>T, p.Arg518Ter (NM_001366723.1, NM_001379348.1); c.1555C>T, p.Arg519Ter (NM_001366724.1, NM_001379347.1); c.1711C>T, p.Arg571Ter (NM_001379345.1); c.1633C>T, p.Arg545Ter (NM_001379346.1); c.1480C>T, p.Arg494Ter (NM_001379349.1); short protein forms R494*, R518*, R519*, R545*, R571*, R493*.
Identifiers: ClinVar variation 2792993 (VCV002792993.4), dbSNP rs1452438437, ClinGen allele CA385621964.